The following is an entry in ClinVar:

ClinVar aggregate classification (germline): Uncertain significance (1 of 4 stars; one submission).

Conditions:
Muscular dystrophy-dystroglycanopathy (congenital with brain and eye anomalies), type A13. Also called: WALKER-WARBURG SYNDROME OR MUSCLE-EYE-BRAIN DISEASE, B3GNT1-RELATED; Muscular dystrophy-dystroglycanopathy (congenital with brain and eye anomalies), type a, 13. Identifiers: Orphanet 899, MedGen C3809042, MONDO:0014120, OMIM 615287.

Submission:

Labcorp Genetics (formerly Invitae), Labcorp
Classification: Uncertain significance for Muscular dystrophy-dystroglycanopathy (congenital with brain and eye anomalies), type A13. Last evaluated: 2022-05-27. Review status: criteria provided, single submitter. Criteria: Invitae Variant Classification Sherloc (09022015). Collection method: clinical testing. Allele origin: germline.
Comment: This sequence change replaces arginine, which is basic and polar, with glycine, which is neutral and non-polar, at codon 263 of the B4GAT1 protein (p.Arg263Gly). This variant is not present in population databases (gnomAD no frequency). This variant has not been reported in the literature in individuals affected with B4GAT1-related conditions. Algorithms developed to predict the effect of missense changes on protein structure and function are either unavailable or do not agree on the potential impact of this missense change (SIFT: "Deleterious"; PolyPhen-2: "Probably Damaging"; Align-GVGD: "Class C0"). In summary, the available evidence is currently insufficient to determine the role of this variant in disease. Therefore, it has been classified as a Variant of Uncertain Significance.

NM_006876.3(B4GAT1):c.787C>G (p.Arg263Gly)

Gene: B4GAT1 (beta-1,4-glucuronyltransferase 1; minus strand). Cytogenetic location: 11q13.2.
Variant type: single nucleotide variant.
Coding change: c.787C>G on transcript NM_006876.3 (MANE Select); coding-DNA position 787, C replaced by G.
Protein change: p.Arg263Gly; replaces arginine 263 with glycine.
Molecular consequence: missense variant.
Genome position (GRCh38, 1-based): chr11:66,346,759, G>C on the plus strand (C>G on the coding strand, the complement: B4GAT1 is on the minus strand). VCF-style: chr11-66346759-G-C. GRCh37 (hg19) VCF-style: chr11-66114230-G-C.
Other names: short protein forms R263G.
Identifiers: ClinVar variation 1399896 (VCV001399896.8), dbSNP rs2134974665, ClinGen allele CA381417656.